The following is an entry in ClinVar:

NM_001077418.3(TMEM231):c.749G>A (p.Arg250Gln)

Gene: TMEM231 (transmembrane protein 231; minus strand). Cytogenetic location: 16q23.1.
Variant type: single nucleotide variant.
Coding change: c.749G>A on transcript NM_001077418.3 (MANE Select); coding-DNA position 749, G replaced by A.
Protein change: p.Arg250Gln; replaces arginine 250 with glutamine.
Molecular consequence: missense variant. On other transcripts: non-coding transcript variant (1).
Genome position (GRCh38, 1-based): chr16:75,541,371, C>T on the plus strand (G>A on the coding strand, the complement: TMEM231 is on the minus strand). VCF-style: chr16-75541371-C-T. GRCh37 (hg19) VCF-style: chr16-75575269-C-T.
Other names: c.908G>A, p.Arg303Gln (NM_001077416.2); c.836G>A (NM_001077416.1); short protein forms R303Q, R250Q.
Identifiers: ClinVar variation 499740 (VCV000499740.17), dbSNP rs369010440, ClinGen allele CA8176052.

ClinVar aggregate classification (germline): Conflicting classifications of pathogenicity. Review status: criteria provided, conflicting classifications (1 of 4 stars). 6 submissions from 6 submitters: Uncertain significance (5); Likely benign (1). Last evaluated 2026-01-13.

Conditions:
Inborn genetic diseases. Identifiers: MedGen C0950123, MeSH D030342.
Joubert syndrome 20 (JBTS20). Identifiers: Orphanet 475, MedGen C3554235, MONDO:0013994, OMIM 614970.
Meckel syndrome, type 11 (MKS11). Identifiers: Orphanet 564, MedGen C3809352, MONDO:0014164, OMIM 615397.

Allele frequency attached by ClinVar (database versions not stated): gnomAD exomes 0.00007 and 0.00009; ESP Exome Variant Server 0.00008; TOPMed 0.00009; ExAC 0.00011; gnomAD 0.00012 and 0.00014.
gnomAD v4.1: 150 of 1,610,600 alleles (0.0093%); highest among the groups gnomAD compares: Non-Finnish European, 0.011%; 1 homozygote.

Submissions (6):

Labcorp Genetics (formerly Invitae), Labcorp
Classification: Likely benign for Joubert syndrome 20; Meckel syndrome, type 11. Last evaluated: 2026-01-13. Review status: criteria provided, single submitter. Criteria: Invitae Variant Classification Sherloc (09022015). Collection method: clinical testing. Allele origin: germline.

Blueprint Genetics
Classification: Uncertain significance. Last evaluated: 2024-11-26. Review status: criteria provided, single submitter. Criteria: ACMG Guidelines, 2015. Collection method: clinical testing. Allele origin: germline.

Fulgent Genetics
Classification: Uncertain significance for Joubert syndrome 20; Meckel syndrome, type 11. Last evaluated: 2024-05-24. Review status: criteria provided, single submitter. Criteria: ACMG Guidelines, 2015. Collection method: clinical testing. Allele origin: germline.

GeneDx
Classification: Uncertain significance. Last evaluated: 2024-03-06. Review status: criteria provided, single submitter. Criteria: GeneDx Variant Classification Process June 2021. Collection method: clinical testing. Allele origin: germline. Affected: yes.
Comment: Not observed at a significant frequency in large population cohorts (gnomAD); In silico analysis supports that this missense variant does not alter protein structure/function; In-silico analysis, which includes splice predictors and evolutionary conservation, is inconclusive as to whether the variant alters gene splicing. In the absence of RNA/functional studies, the actual effect of this sequence change is unknown.; Has not been previously published as pathogenic or benign to our knowledge

Ambry Genetics
Classification: Uncertain significance for Inborn genetic diseases. Last evaluated: 2023-01-23. Review status: criteria provided, single submitter. Criteria: Ambry Variant Classification Scheme 2023. Collection method: clinical testing. Allele origin: germline.

Eurofins Ntd Llc (ga)
Classification: Uncertain significance. Last evaluated: 2017-01-24. Review status: criteria provided, single submitter. Criteria: EGL Classification Definitions 2015. Collection method: clinical testing. Allele origin: germline. Observed: 1 variant allele, 1 heterozygote.